The following is an entry in ClinVar:

ClinVar aggregate classification (germline): Uncertain significance. Review status: criteria provided, multiple submitters, no conflicts (2 of 4 stars). 2 submissions from 2 submitters: Uncertain significance (2). Last evaluated 2025-04-24.

Conditions:
Medulloblastoma (MDB). Also called: MEDULLOBLASTOMA PREDISPOSITION SYNDROME; Medulloblastoma, somatic. Identifiers: Orphanet 616, MedGen C0025149, MeSH D008527, MONDO:0007959, OMIM 155255, HP:0002885.
Gorlin syndrome. Also called: Nevoid Basal Cell Carcinoma Syndrome; Basal cell nevus syndrome. Identifiers: Orphanet 377, MedGen C0004779, MONDO:0007187.
Hereditary cancer-predisposing syndrome. Also called: Tumor predisposition; Hereditary Cancer Syndrome; Neoplastic Syndromes, Hereditary; Hereditary neoplastic syndrome. Identifiers: Orphanet 140162, MedGen C0027672, MeSH D009386, MONDO:0015356.

gnomAD v4.1: 3 of 1,605,602 alleles (0.00019%); highest among the groups gnomAD compares: Non-Finnish European, 0.00017%; no homozygotes.

Submissions (2):

Labcorp Genetics (formerly Invitae), Labcorp
Classification: Uncertain significance for Gorlin syndrome; Medulloblastoma. Last evaluated: 2025-04-24. Review status: criteria provided, single submitter. Criteria: Invitae Variant Classification Sherloc (09022015). Collection method: clinical testing. Allele origin: germline.
Comment: This sequence change replaces alanine, which is neutral and non-polar, with aspartic acid, which is acidic and polar, at codon 22 of the SUFU protein (p.Ala22Asp). This variant is not present in population databases (gnomAD no frequency). This variant has not been reported in the literature in individuals affected with SUFU-related conditions. ClinVar contains an entry for this variant (Variation ID: 1010561). An algorithm developed to predict the effect of missense changes on protein structure and function (PolyPhen-2) suggests that this variant is likely to be disruptive. In summary, the available evidence is currently insufficient to determine the role of this variant in disease. Therefore, it has been classified as a Variant of Uncertain Significance.

Ambry Genetics
Classification: Uncertain significance for Hereditary cancer-predisposing syndrome. Last evaluated: 2024-04-20. Review status: criteria provided, single submitter. Criteria: Ambry Variant Classification Scheme 2023. Collection method: clinical testing. Allele origin: germline.
Comment: The p.A22D variant (also known as c.65C>A), located in coding exon 1 of the SUFU gene, results from a C to A substitution at nucleotide position 65. The alanine at codon 22 is replaced by aspartic acid, an amino acid with dissimilar properties. This amino acid position is conserved. In addition, the in silico prediction for this alteration is inconclusive. Since supporting evidence is limited at this time, the clinical significance of this alteration remains unclear.

NM_016169.4(SUFU):c.65C>A (p.Ala22Asp)

Genes: SUFU (SUFU negative regulator of hedgehog signaling; plus strand), LOC130004614 (ATAC-STARR-seq lymphoblastoid silent region 2764; plus strand). Cytogenetic location: 10q24.32.
Variant type: single nucleotide variant.
Coding change: c.65C>A on transcript NM_016169.4 (MANE Select); coding-DNA position 65, C replaced by A.
Protein change: p.Ala22Asp; replaces alanine 22 with aspartic acid.
Molecular consequence: missense variant.
Genome position (GRCh38, 1-based): chr10:102,504,217, C>A. VCF-style: chr10-102504217-C-A. GRCh37 (hg19) VCF-style: chr10-104263974-C-A.
Other names: c.65C>A, p.Ala22Asp (NM_001178133.2); short protein forms A22D.
Identifiers: ClinVar variation 1010561 (VCV001010561.15), dbSNP rs761240106, ClinGen allele CA377886325.